The following is an entry in ClinVar:

NM_005198.5(CHKB):c.296_313del (p.Arg99_Arg104del)

Genes: CHKB (choline kinase beta; minus strand), CHKB-CPT1B (CHKB-CPT1B readthrough (NMD candidate); minus strand). Cytogenetic location: 22q13.33.
Variant type: Deletion.
Coding change: c.296_313del on transcript NM_005198.5 (MANE Select); coding-DNA positions 296 to 313, 18 bases deleted (GGGAGGTGCTTCTGCGGC).
Protein change: p.Arg99_Arg104del.
Molecular consequence: inframe deletion. On other transcripts: non-coding transcript variant (1).
Genome position (GRCh38, 1-based): chr22:50,582,269-50,582,286, GCCGCAGAAGCACCTCCC deleted on the plus strand (GGGAGGTGCTTCTGCGGC on the coding strand, the reverse complement: CHKB is on the minus strand); deleting any 18 consecutive bases within chr22:50,582,269-50,582,287 gives the same sequence; the c. name uses the placement nearest the transcript's 3' end. VCF-style (leftmost placement, unchanged base first): chr22-50582268-AGCCGCAGAAGCACCTCCC-A. GRCh37 (hg19) VCF-style: chr22-51020697-AGCCGCAGAAGCACCTCCC-A.
Identifiers: ClinVar variation 1434408 (VCV001434408.8), dbSNP rs1177835390, ClinGen allele CA640358315.

ClinVar aggregate classification (germline): Uncertain significance (1 of 4 stars; one submission).

Conditions:
Megaconial type congenital muscular dystrophy (MDCMC). Also called: MUSCULAR DYSTROPHY, CONGENITAL, WITH MITOCHONDRIAL STRUCTURAL ABNORMALITIES; CHKB-Related Muscular Dystrophy; CHKB-Related Muscle Diseases. Identifiers: Orphanet 280671, MedGen C1865233, MONDO:0011246, OMIM 602541.

Submission:

Labcorp Genetics (formerly Invitae), Labcorp
Classification: Uncertain significance for Megaconial type congenital muscular dystrophy. Last evaluated: 2022-09-27. Review status: criteria provided, single submitter. Criteria: Invitae Variant Classification Sherloc (09022015). Collection method: clinical testing. Allele origin: germline.
Comment: In summary, the available evidence is currently insufficient to determine the role of this variant in disease. Therefore, it has been classified as a Variant of Uncertain Significance. Experimental studies and prediction algorithms are not available or were not evaluated, and the functional significance of this variant is currently unknown. This variant, c.296_313del, results in the deletion of 6 amino acid(s) of the CHKB protein (p.Arg99_Arg104del), but otherwise preserves the integrity of the reading frame. This variant is present in population databases (no rsID available, gnomAD 0.001%). This variant has not been reported in the literature in individuals affected with CHKB-related conditions. ClinVar contains an entry for this variant (Variation ID: 1434408).